The following is an entry in ClinVar:

NM_054027.6(ANKH):c.686G>A (p.Gly229Glu)

Gene: ANKH (ANKH inorganic pyrophosphate transport regulator; minus strand). Cytogenetic location: 5p15.2.
Variant type: single nucleotide variant.
Coding change: c.686G>A on transcript NM_054027.6 (MANE Select); coding-DNA position 686, G replaced by A.
Protein change: p.Gly229Glu; replaces glycine 229 with glutamic acid.
Molecular consequence: missense variant.
Genome position (GRCh38, 1-based): chr5:14,751,070, C>T on the plus strand (G>A on the coding strand, the complement: ANKH is on the minus strand). VCF-style: chr5-14751070-C-T. GRCh37 (hg19) VCF-style: chr5-14751179-C-T.
Other names: c.686G>A (NM_054027.4); short protein forms G229E.
Identifiers: ClinVar variation 1515739 (VCV001515739.7), dbSNP rs2126482883, ClinGen allele CA359247853.

ClinVar aggregate classification (germline): Uncertain significance. Review status: criteria provided, multiple submitters, no conflicts (2 of 4 stars). 2 submissions from 2 submitters: Uncertain significance (2). Last evaluated 2026-07-20.

Conditions:
Inborn genetic diseases. Identifiers: MedGen C0950123, MeSH D030342.

Allele frequency attached by ClinVar (database versions not stated): gnomAD exomes below 0.00001.
gnomAD v4.1: 2 of 1,614,180 alleles (0.00012%); highest among the groups gnomAD compares: Non-Finnish European, 0.00017%; no homozygotes.

Submissions (2):

Ambry Genetics
Classification: Uncertain significance for Inborn genetic diseases. Last evaluated: 2026-07-20. Review status: criteria provided, single submitter. Criteria: Ambry Variant Classification Scheme 2023. Collection method: clinical testing. Allele origin: germline.

Labcorp Genetics (formerly Invitae), Labcorp
Classification: Uncertain significance. Last evaluated: 2021-04-21. Review status: criteria provided, single submitter. Criteria: Invitae Variant Classification Sherloc (09022015). Collection method: clinical testing. Allele origin: germline.
Comment: In summary, the available evidence is currently insufficient to determine the role of this variant in disease. Therefore, it has been classified as a Variant of Uncertain Significance. Algorithms developed to predict the effect of missense changes on protein structure and function (SIFT, PolyPhen-2, Align-GVGD) all suggest that this variant is likely to be disruptive, but these predictions have not been confirmed by published functional studies and their clinical significance is uncertain. This variant has not been reported in the literature in individuals with ANKH-related conditions. This variant is not present in population databases (ExAC no frequency). This sequence change replaces glycine with glutamic acid at codon 229 of the ANKH protein (p.Gly229Glu). The glycine residue is highly conserved and there is a moderate physicochemical difference between glycine and glutamic acid.